The following is an entry in ClinVar:

ClinVar aggregate classification (germline): Uncertain significance (1 of 4 stars; one submission).

Conditions:
Dilated cardiomyopathy 1O (CMD1O). Also called: CARDIOMYOPATHY, DILATED, WITH VENTRICULAR TACHYCARDIA. Identifiers: Orphanet 154, MedGen C1837839, MONDO:0012062, OMIM 608569.

Submission:

Labcorp Genetics (formerly Invitae), Labcorp
Classification: Uncertain significance for Dilated cardiomyopathy 1O. Last evaluated: 2018-03-18. Review status: criteria provided, single submitter. Criteria: Invitae Variant Classification Sherloc (09022015). Collection method: clinical testing. Allele origin: germline.
Comment: In summary, the available evidence is currently insufficient to determine the role of this variant in disease. Therefore, it has been classified as a Variant of Uncertain Significance. Nucleotide substitutions within the consensus splice site are a relatively common cause of aberrant splicing (PMID: 17576681, 9536098). Algorithms developed to predict the effect of sequence changes on RNA splicing suggest that this variant is not likely to affect RNA splicing, but this prediction has not been confirmed by published transcriptional studies. This sequence change falls in intron 21 of the ABCC9 gene. It does not directly change the encoded amino acid sequence of the ABCC9 protein, but it affects a nucleotide within the consensus splice site of the intron. This variant has not been reported in the literature in individuals with ABCC9-related disease. This variant is not present in population databases (ExAC no frequency).

Literature cited by the submitters: PubMed 17576681; PubMed 9536098.

NM_020297.4(ABCC9):c.2643+6A>G

Gene: ABCC9 (ATP binding cassette subfamily C member 9; minus strand). Cytogenetic location: 12p12.1.
Variant type: single nucleotide variant.
Coding change: c.2643+6A>G on transcript NM_020297.4 (MANE Select); 6 bases into the intron after coding-DNA position 2643, A replaced by G.
Molecular consequence: intron variant.
Genome position (GRCh38, 1-based): chr12:21,852,362, T>C on the plus strand (A>G on the coding strand, the complement: ABCC9 is on the minus strand). VCF-style: chr12-21852362-T-C. GRCh37 (hg19) VCF-style: chr12-22005296-T-C.
Other names: c.1776+6A>G (NM_001377274.1); c.2643+6A>G (NM_005691.4, NM_001377273.1).
Identifiers: ClinVar variation 570627 (VCV000570627.8), dbSNP rs1565740203, ClinGen allele CA891843475.